The following is an entry in ClinVar:

ClinVar aggregate classification (germline): Uncertain significance (1 of 4 stars; one submission).

Conditions:
Spastic paraplegia. Identifiers: MedGen C0037772, HP:0001258.

gnomAD v4.1: 5 of 1,612,746 alleles (0.00031%); highest among the groups gnomAD compares: Admixed American, 0.005%; no homozygotes.

Submission:

Labcorp Genetics (formerly Invitae), Labcorp
Classification: Uncertain significance for Spastic paraplegia. Last evaluated: 2024-03-17. Review status: criteria provided, single submitter. Criteria: Invitae Variant Classification Sherloc (09022015). Collection method: clinical testing. Allele origin: germline.
Comment: This sequence change replaces serine, which is neutral and polar, with glycine, which is neutral and non-polar, at codon 45 of the ERLIN2 protein (p.Ser45Gly). This variant is present in population databases (rs745591217, gnomAD 0.006%). This variant has not been reported in the literature in individuals affected with ERLIN2-related conditions. Advanced modeling of protein sequence and biophysical properties (such as structural, functional, and spatial information, amino acid conservation, physicochemical variation, residue mobility, and thermodynamic stability) performed at Invitae indicates that this missense variant is not expected to disrupt ERLIN2 protein function with a negative predictive value of 80%. In summary, the available evidence is currently insufficient to determine the role of this variant in disease. Therefore, it has been classified as a Variant of Uncertain Significance.

NM_007175.8(ERLIN2):c.133A>G (p.Ser45Gly)

Gene: ERLIN2 (ER lipid raft associated 2; plus strand). Cytogenetic location: 8p11.23.
Variant type: single nucleotide variant.
Coding change: c.133A>G on transcript NM_007175.8 (MANE Select); coding-DNA position 133, A replaced by G.
Protein change: p.Ser45Gly; replaces serine 45 with glycine.
Molecular consequence: missense variant.
Genome position (GRCh38, 1-based): chr8:37,740,390, A>G. VCF-style: chr8-37740390-A-G. GRCh37 (hg19) VCF-style: chr8-37597908-A-G.
Other names: c.133A>G, p.Ser45Gly (NM_001003790.4, NM_001003791.3, NM_001362878.2 and 1 more transcripts); short protein forms S45G.
Identifiers: ClinVar variation 3708416 (VCV003708416.2).
Genomic context (GRCh38, chr8:37,740,390, plus strand): 5'-ACTGAAGCTGCCTCTCTCTTCCCCCTCCTCTGCAGAGGCGGTGCCCTGCTGACTTCGACC[A>G]GCGGCCCTGGTTTCCATCTCATGCTCCCTTTCATCACATCATATAAGTCTGTGCAGGTAT-3'
Protein context (NP_009106.1, residues 35-55): YRGGALLTST[Ser45Gly]GPGFHLMLPF